The following is an entry in ClinVar:

NM_014423.4(AFF4):c.1142A>C (p.Lys381Thr)

Gene: AFF4 (ALF transcription elongation factor 4; minus strand). Cytogenetic location: 5q31.1.
Variant type: single nucleotide variant.
Coding change: c.1142A>C on transcript NM_014423.4 (MANE Select); coding-DNA position 1142, A replaced by C.
Protein change: p.Lys381Thr; replaces lysine 381 with threonine.
Molecular consequence: missense variant.
Genome position (GRCh38, 1-based): chr5:132,899,633, T>G on the plus strand (A>C on the coding strand, the complement: AFF4 is on the minus strand). VCF-style: chr5-132899633-T-G. GRCh37 (hg19) VCF-style: chr5-132235325-T-G.
Other names: short protein forms K381T.
Identifiers: ClinVar variation 4845509 (VCV004845509.1).

ClinVar aggregate classification (germline): Uncertain significance (1 of 4 stars; one submission).

Submission:

Greenwood Genetic Center Diagnostic Laboratories, Greenwood Genetic Center
Classification: Uncertain significance. Last evaluated: 2025-12-06. Review status: criteria provided, single submitter. Criteria: ACMG Guidelines, 2015. Collection method: clinical testing. Allele origin: germline. Affected: yes.
Comment: PM2, PP2